The following is an entry in ClinVar:

ClinVar aggregate classification (germline): Uncertain significance (1 of 4 stars; one submission).

Conditions:
FG syndrome (FGS). Identifiers: MedGen C0220769, MONDO:0002010.

Submission:

Labcorp Genetics (formerly Invitae), Labcorp
Classification: Uncertain significance for FG syndrome. Last evaluated: 2025-08-09. Review status: criteria provided, single submitter. Criteria: Invitae Variant Classification Sherloc (09022015). Collection method: clinical testing. Allele origin: germline.
Comment: This sequence change replaces alanine, which is neutral and non-polar, with serine, which is neutral and polar, at codon 1774 of the MED12 protein (p.Ala1774Ser). This variant is not present in population databases (gnomAD no frequency). This variant has not been reported in the literature in individuals affected with MED12-related conditions. Invitae Evidence Modeling of protein sequence and biophysical properties (such as structural, functional, and spatial information, amino acid conservation, physicochemical variation, residue mobility, and thermodynamic stability) indicates that this missense variant is not expected to disrupt MED12 protein function with a negative predictive value of 95%. In summary, the available evidence is currently insufficient to determine the role of this variant in disease. Therefore, it has been classified as a Variant of Uncertain Significance.

NM_005120.3(MED12):c.5320G>T (p.Ala1774Ser)

Gene: MED12 (mediator complex subunit 12; plus strand). Cytogenetic location: Xq13.1.
Variant type: single nucleotide variant.
Coding change: c.5320G>T on transcript NM_005120.3 (MANE Select); coding-DNA position 5320, G replaced by T.
Protein change: p.Ala1774Ser; replaces alanine 1774 with serine.
Molecular consequence: missense variant.
Genome position (GRCh38, 1-based): chrX:71,136,575, G>T. VCF-style: chrX-71136575-G-T. GRCh37 (hg19) VCF-style: chrX-70356425-G-T.
Other names: short protein forms A1774S.
Identifiers: ClinVar variation 4801083 (VCV004801083.1).